The following is an entry in ClinVar:

ClinVar aggregate classification (germline): Uncertain significance (1 of 4 stars; one submission).

Conditions:
Hereditary pancreatitis (PCTT). Also called: Hereditary chronic pancreatitis; PRSS1-Related Hereditary Pancreatitis. Identifiers: Orphanet 676, MedGen C0238339, MONDO:0008185, OMIM 167800.

Submission:

Ambry Genetics
Classification: Uncertain significance for Hereditary pancreatitis. Last evaluated: 2025-10-05. Review status: criteria provided, single submitter. Criteria: Ambry Variant Classification Scheme 2023. Collection method: clinical testing. Allele origin: germline.
Comment: The p.K88E variant (also known as c.262A>G), located in coding exon 4 of the CTRC gene, results from an A to G substitution at nucleotide position 262. The lysine at codon 88 is replaced by glutamic acid, an amino acid with similar properties. This amino acid position is conserved. In addition, this alteration is predicted to be tolerated by in silico analysis. Since supporting evidence is limited at this time, the clinical significance of this alteration remains unclear.

NM_007272.3(CTRC):c.262A>G (p.Lys88Glu)

Gene: CTRC (chymotrypsin C; plus strand). Cytogenetic location: 1p36.21.
Variant type: single nucleotide variant.
Coding change: c.262A>G on transcript NM_007272.3 (MANE Select); coding-DNA position 262, A replaced by G.
Protein change: p.Lys88Glu; replaces lysine 88 with glutamic acid.
Molecular consequence: missense variant.
Genome position (GRCh38, 1-based): chr1:15,442,478, A>G. VCF-style: chr1-15442478-A-G. GRCh37 (hg19) VCF-style: chr1-15768974-A-G.
Other names: short protein forms K88E.
Identifiers: ClinVar variation 1794027 (VCV001794027.3), dbSNP rs2526294375, ClinGen allele CA338565379.